The following is an entry in ClinVar:

NC_000022.10:g.(?_50500012)_(50515951_?)del

Gene: MLC1 (modulator of VRAC current 1; minus strand). Cytogenetic location: 22q13.33.
Variant type: Deletion.
Identifiers: ClinVar variation 2426087 (VCV002426087.4).

ClinVar aggregate classification (germline): Pathogenic (1 of 4 stars; one submission).

Submission:

Labcorp Genetics (formerly Invitae), Labcorp
Classification: Pathogenic. Last evaluated: 2022-05-04. Review status: criteria provided, single submitter. Criteria: Invitae Variant Classification Sherloc (09022015). Collection method: clinical testing. Allele origin: germline.
Comment: This variant is a gross deletion of the genomic region encompassing exon(s) 6-12 of the MLC1 gene, which includes the termination codon. This deletion extends beyond the assayed region for this gene and therefore may encompass additional genes. While this deletion is not anticipated to lead to nonsense mediated decay, it is expected to alter mRNA translation or result in a truncated protein product. This variant has not been reported in the literature in individuals affected with MLC1-related conditions. This variant disrupts a region of the MLC1 protein in which other variant(s) (p.Pro294Leu) have been determined to be pathogenic (PMID: 12939431, 18757878, 24315536, 27322623). This suggests that this is a clinically significant region of the protein, and that variants that disrupt it are likely to be disease-causing. For these reasons, this variant has been classified as Pathogenic.

Literature cited by the submitters: PubMed 12939431; PubMed 18757878; PubMed 24315536; PubMed 27322623.